The following is an entry in ClinVar:

NM_006904.7(PRKDC):c.2288C>T (p.Thr763Ile)

Gene: PRKDC (protein kinase, DNA-activated, catalytic subunit; minus strand). Cytogenetic location: 8q11.21.
Variant type: single nucleotide variant.
Coding change: c.2288C>T on transcript NM_006904.7 (MANE Select); coding-DNA position 2288, C replaced by T.
Protein change: p.Thr763Ile; replaces threonine 763 with isoleucine.
Molecular consequence: missense variant.
Genome position (GRCh38, 1-based): chr8:47,927,325, G>A on the plus strand (C>T on the coding strand, the complement: PRKDC is on the minus strand). VCF-style: chr8-47927325-G-A. GRCh37 (hg19) VCF-style: chr8-48839885-G-A.
Other names: c.2288C>T, p.Thr763Ile (NM_001081640.2); short protein forms T763I.
Identifiers: ClinVar variation 1789044 (VCV001789044.2), dbSNP rs757271960, ClinGen allele CA4741473.

ClinVar aggregate classification (germline): Uncertain significance (1 of 4 stars; one submission).

Allele frequency attached by ClinVar (database versions not stated): ExAC 0.00001.

Submission:

Ambry Genetics
Classification: Uncertain significance. Last evaluated: 2021-07-31. Review status: criteria provided, single submitter. Criteria: Ambry Variant Classification Scheme 2023. Collection method: clinical testing. Allele origin: germline.
Comment: The p.T763I variant (also known as c.2288C>T), located in coding exon 21 of the PRKDC gene, results from a C to T substitution at nucleotide position 2288. The threonine at codon 763 is replaced by isoleucine, an amino acid with similar properties. This amino acid position is conserved. In addition, this alteration is predicted to be tolerated by in silico analysis. Since supporting evidence is limited at this time, the clinical significance of this alteration remains unclear.